The following is an entry in ClinVar:

ClinVar aggregate classification (germline): Uncertain significance (1 of 4 stars; one submission).

Submission:

GeneDx
Classification: Uncertain significance. Last evaluated: 2025-03-13. Review status: criteria provided, single submitter. Criteria: GeneDx Variant Classification Process June 2021. Collection method: clinical testing. Allele origin: germline. Affected: yes.
Comment: Not observed at significant frequency in large population cohorts (gnomAD); In silico analysis indicates that this missense variant does not alter protein structure/function; Has not been previously published as pathogenic or benign to our knowledge; This variant is associated with the following publications: (PMID: 28545555)

NM_017654.4(SAMD9):c.1506T>G (p.Ser502Arg)

Gene: SAMD9 (sterile alpha motif domain containing 9; minus strand). Cytogenetic location: 7q21.2.
Variant type: single nucleotide variant.
Coding change: c.1506T>G on transcript NM_017654.4 (MANE Select); coding-DNA position 1506, T replaced by G.
Protein change: p.Ser502Arg; replaces serine 502 with arginine.
Molecular consequence: missense variant.
Genome position (GRCh38, 1-based): chr7:93,104,592, A>C on the plus strand (T>G on the coding strand, the complement: SAMD9 is on the minus strand). VCF-style: chr7-93104592-A-C. GRCh37 (hg19) VCF-style: chr7-92733905-A-C.
Other names: c.1506T>G, p.Ser502Arg (NM_001193307.2); short protein forms S502R.
Identifiers: ClinVar variation 4083354 (VCV004083354.1).